The following is an entry in ClinVar:

NM_199242.3(UNC13D):c.754-8C>T

Gene: UNC13D (unc-13 homolog D; minus strand). Cytogenetic location: 17q25.1.
Variant type: single nucleotide variant.
Coding change: c.754-8C>T on transcript NM_199242.3 (MANE Select); 8 bases into the intron before coding-DNA position 754, C replaced by T.
Molecular consequence: intron variant.
Genome position (GRCh38, 1-based): chr17:75,840,337, G>A on the plus strand (C>T on the coding strand, the complement: UNC13D is on the minus strand). VCF-style: chr17-75840337-G-A. GRCh37 (hg19) VCF-style: chr17-73836418-G-A.
Other names: c.754-8C>T (NM_199242.2).
Identifiers: ClinVar variation 1130460 (VCV001130460.10), dbSNP rs201406035, ClinGen allele CA8773283.

ClinVar aggregate classification (germline): Likely benign. Review status: criteria provided, single submitter (1 of 4 stars). 2 submissions from 2 submitters: Likely benign (1). 1 of the submissions does not count toward it. Last evaluated 2026-01-19.

Conditions:
UNC13D-related disorder. Also called: UNC13D-related condition.
Familial hemophagocytic lymphohistiocytosis 3 (FHL3). Also called: UNC13D-Related Familial Hemophagocytic Lymphohistiocytosis (UNC13D-fHLH). Identifiers: Orphanet 540, MedGen C1837174, MONDO:0012146, OMIM 608898.

Allele frequency attached by ClinVar (database versions not stated): gnomAD 0.00002 and 0.00005; TOPMed 0.00006; gnomAD exomes 0.00013; ExAC 0.00014; 1000 Genomes Project 30x 0.00016; 1000 Genomes Project 0.00020.
gnomAD v4.1: 89 of 1,613,232 alleles (0.0055%); highest among the groups gnomAD compares: East Asian, 0.19%; 1 homozygote.

Submissions (2):

Labcorp Genetics (formerly Invitae), Labcorp
Classification: Likely benign for Familial hemophagocytic lymphohistiocytosis 3. Last evaluated: 2026-01-19. Review status: criteria provided, single submitter. Criteria: Invitae Variant Classification Sherloc (09022015). Collection method: clinical testing. Allele origin: germline.

PreventionGenetics, part of Exact Sciences
Classification: Likely benign for UNC13D-related condition. Last evaluated: 2024-07-24. Review status: no assertion criteria provided. Collection method: clinical testing. Allele origin: germline. Not counted in ClinVar's aggregate classification.
Comment: This variant is classified as likely benign based on ACMG/AMP sequence variant interpretation guidelines (Richards et al. 2015 PMID: 25741868, with internal and published modifications).